The following is an entry in ClinVar:

NM_001130144.3(LTBP3):c.782C>A (p.Pro261Gln)

Gene: LTBP3 (latent transforming growth factor beta binding protein 3; minus strand). Cytogenetic location: 11q13.1.
Variant type: single nucleotide variant.
Coding change: c.782C>A on transcript NM_001130144.3 (MANE Select); coding-DNA position 782, C replaced by A.
Protein change: p.Pro261Gln; replaces proline 261 with glutamine.
Molecular consequence: missense variant.
Genome position (GRCh38, 1-based): chr11:65,553,783, G>T on the plus strand (C>A on the coding strand, the complement: LTBP3 is on the minus strand). VCF-style: chr11-65553783-G-T. GRCh37 (hg19) VCF-style: chr11-65321254-G-T.
Other names: c.431C>A, p.Pro144Gln (NM_001164266.1); c.782C>A, p.Pro261Gln (NM_021070.4); short protein forms P144Q, P261Q.
Identifiers: ClinVar variation 1364990 (VCV001364990.8), dbSNP rs765178350, ClinGen allele CA381275771.

ClinVar aggregate classification (germline): Uncertain significance (1 of 4 stars; one submission).

Conditions:
Brachyolmia-amelogenesis imperfecta syndrome. Also called: PLATYSPONDYLY WITH AMELOGENESIS IMPERFECTA; Tooth agenesis, selective, 6; Dental anomalies and short stature. Identifiers: Orphanet 2899, MedGen C1832594, MONDO:0011018, OMIM 601216. Disease mechanism: loss of function.

gnomAD v4.1: 2 of 1,566,854 alleles (0.00013%); highest among the groups gnomAD compares: East Asian, 0.0023%; no homozygotes.

Submission:

Labcorp Genetics (formerly Invitae), Labcorp
Classification: Uncertain significance for Brachyolmia-amelogenesis imperfecta syndrome. Last evaluated: 2021-07-14. Review status: criteria provided, single submitter. Criteria: Invitae Variant Classification Sherloc (09022015). Collection method: clinical testing. Allele origin: germline.
Comment: Algorithms developed to predict the effect of missense changes on protein structure and function output the following: SIFT: "Tolerated"; PolyPhen-2: "Benign"; Align-GVGD: "Class C0". The glutamine amino acid residue is found in multiple mammalian species, which suggests that this missense change does not adversely affect protein function. This variant has not been reported in the literature in individuals affected with LTBP3-related conditions. The frequency data for this variant in the population databases is considered unreliable, as metrics indicate insufficient coverage at this position in the ExAC database. This sequence change replaces proline with glutamine at codon 261 of the LTBP3 protein (p.Pro261Gln). The proline residue is moderately conserved and there is a moderate physicochemical difference between proline and glutamine. Algorithms developed to predict the effect of sequence changes on RNA splicing suggest that this variant may create or strengthen a splice site. In summary, the available evidence is currently insufficient to determine the role of this variant in disease. Therefore, it has been classified as a Variant of Uncertain Significance.